The following is an entry in ClinVar:

NM_000051.4(ATM):c.1208C>T (p.Ser403Leu)

Gene: ATM (ATM serine/threonine kinase; plus strand). Cytogenetic location: 11q22.3.
Variant type: single nucleotide variant.
Coding change: c.1208C>T on transcript NM_000051.4 (MANE Select); coding-DNA position 1208, C replaced by T.
Protein change: p.Ser403Leu; replaces serine 403 with leucine.
Molecular consequence: missense variant.
Genome position (GRCh38, 1-based): chr11:108,249,075, C>T. VCF-style: chr11-108249075-C-T. GRCh37 (hg19) VCF-style: chr11-108119802-C-T.
Other names: c.1208C>T, p.Ser403Leu (NM_001351834.2); short protein forms S403L.
Identifiers: ClinVar variation 479032 (VCV000479032.28), dbSNP rs747563556, ClinGen allele CA6264774.
Genomic context (GRCh38, chr11:108,249,075, plus strand): 5'-CTTGCAAAAGGAAGAAAATAGAACTAGGCTGGGAAGTAATAAAAGATCACCTTCAGAAGT[C>T]ACAGAATGATTTTGATCTTGTGCCTTGGTAAAGTGTTACCATTTTCTCATTCAGTGTCAT-3'
Protein context (NP_000042.3, residues 393-413): WEVIKDHLQK[Ser403Leu]QNDFDLVPWL

ClinVar aggregate classification (germline): Conflicting classifications of pathogenicity. Review status: criteria provided, conflicting classifications (1 of 4 stars). 6 submissions from 6 submitters: Uncertain significance (4); Likely benign (1). 1 of the submissions does not count toward it. Last evaluated 2025-05-30.

Conditions:
Hereditary cancer-predisposing syndrome. Also called: Tumor predisposition; Neoplastic Syndromes, Hereditary; Hereditary Cancer Syndrome; Hereditary neoplastic syndrome. Identifiers: Orphanet 140162, MedGen C0027672, MeSH D009386, MONDO:0015356.
Ataxia-telangiectasia syndrome (AT). Also called: Cerebello-oculocutaneous telangiectasia; Immunodeficiency with ataxia telangiectasia; ATAXIA-TELANGIECTASIA, COMPLEMENTATION GROUP A; Ataxia-telangiectasia, complementation group D; AT, COMPLEMENTATION GROUP C; ATAXIA-TELANGIECTASIA, FRESNO VARIANT. Identifiers: Orphanet 100, MedGen C0004135, MONDO:0008840, OMIM 208900.

Allele frequency attached by ClinVar (database versions not stated): gnomAD exomes below 0.00001 and 0.00001; ExAC 0.00001.
gnomAD v4.1: 3 of 1,613,930 alleles (0.00019%); highest among the groups gnomAD compares: East Asian, 0.0067%; no homozygotes.

Submissions (6):

Ambry Genetics
Classification: Likely benign for Hereditary cancer-predisposing syndrome. Last evaluated: 2025-05-30. Review status: criteria provided, single submitter. Criteria: Ambry Variant Classification Scheme 2023. Collection method: clinical testing. Allele origin: germline.

Labcorp Genetics (formerly Invitae), Labcorp
Classification: Uncertain significance for Ataxia-telangiectasia syndrome. Last evaluated: 2024-10-21. Review status: criteria provided, single submitter. Criteria: Invitae Variant Classification Sherloc (09022015). Collection method: clinical testing. Allele origin: germline.
Comment: This sequence change replaces serine, which is neutral and polar, with leucine, which is neutral and non-polar, at codon 403 of the ATM protein (p.Ser403Leu). This variant is present in population databases (rs747563556, gnomAD 0.01%). This variant has not been reported in the literature in individuals affected with ATM-related conditions. ClinVar contains an entry for this variant (Variation ID: 479032). Invitae Evidence Modeling of protein sequence and biophysical properties (such as structural, functional, and spatial information, amino acid conservation, physicochemical variation, residue mobility, and thermodynamic stability) indicates that this missense variant is not expected to disrupt ATM protein function with a negative predictive value of 95%. In summary, the available evidence is currently insufficient to determine the role of this variant in disease. Therefore, it has been classified as a Variant of Uncertain Significance.

Women's Health and Genetics/Laboratory Corporation of America, LabCorp
Classification: Uncertain significance. Last evaluated: 2024-07-10. Review status: criteria provided, single submitter. Criteria: LabCorp Variant Classification Summary - May 2015. Collection method: clinical testing. Allele origin: germline.
Comment: Variant summary: ATM c.1208C>T (p.Ser403Leu) results in a non-conservative amino acid change in the encoded protein sequence. Four of five in-silico tools predict a benign effect of the variant on protein function. The variant allele was found at a frequency of 4e-06 in 251198 control chromosomes. The available data on variant occurrences in the general population are insufficient to allow any conclusion about variant significance. To our knowledge, no occurrence of c.1208C>T in individuals affected with ATM-related conditions and no experimental evidence demonstrating its impact on protein function have been reported. ClinVar contains an entry for this variant (Variation ID: 479032). Based on the evidence outlined above, the variant was classified as uncertain significance.

GeneDx
Classification: Uncertain significance. Last evaluated: 2019-06-03. Review status: criteria provided, single submitter. Criteria: GeneDx Variant Classification Process June 2021. Collection method: clinical testing. Allele origin: germline. Affected: yes.
Comment: Not observed at a significant frequency in large population cohorts (Lek et al., 2016); In silico analysis, which includes protein predictors and evolutionary conservation, supports that this variant does not alter protein structure/function; This variant is associated with the following publications: (PMID: 30287823)

Color Diagnostics, LLC DBA Color Health
Classification: Uncertain significance for Hereditary cancer-predisposing syndrome. Last evaluated: 2019-01-26. Review status: criteria provided, single submitter. Criteria: ACMG Guidelines, 2015. Collection method: clinical testing. Allele origin: germline.

Natera, Inc.
Classification: Uncertain significance for Ataxia-telangiectasia. Last evaluated: 2020-12-23. Review status: no assertion criteria provided. Collection method: clinical testing. Allele origin: germline. Not counted in ClinVar's aggregate classification.

Literature cited by the submitters: PubMed 30287823 (cited by Ambry Genetics).